The following is an entry in ClinVar:

NM_016011.5(MECR):c.890_891del (p.Val297fs)

Gene: MECR (mitochondrial trans-2-enoyl-CoA reductase; minus strand). Cytogenetic location: 1p35.3.
Variant type: Microsatellite.
Coding change: c.890_891del on transcript NM_016011.5 (MANE Select); coding-DNA positions 890 to 891, 2 bases deleted (TG; older notation c.890_891delTG).
Protein change: p.Val297fs; shifts the reading frame from valine 297.
Molecular consequence: frameshift variant. On other transcripts: non-coding transcript variant (4).
Genome position (GRCh38, 1-based): chr1:29,196,198-29,196,199, CA deleted on the plus strand (TG on the coding strand, the reverse complement: MECR is on the minus strand); deleting any 2 consecutive bases within chr1:29,196,198-29,196,201 gives the same sequence; the c. name uses the placement nearest the transcript's 3' end. VCF-style (leftmost placement, unchanged base first): chr1-29196197-CCA-C. GRCh37 (hg19) VCF-style: chr1-29522709-CCA-C.
Other names: c.662_663del, p.Val221fs (NM_001024732.4, NM_001349711.2, NM_001349712.2 and 2 more transcripts); c.995_996del, p.Val332fs (NM_001349715.2); c.974_975del, p.Val325fs (NM_001349716.2); c.740_741del, p.Val247fs (NM_001349717.2); short protein forms V221fs, V325fs, V247fs, V297fs, V332fs.
Identifiers: ClinVar variation 2790814 (VCV002790814.5), dbSNP rs1407096340, ClinGen allele CA734792012.

ClinVar aggregate classification (germline): Pathogenic/Likely pathogenic. Review status: criteria provided, multiple submitters, no conflicts (2 of 4 stars). 2 submissions from 2 submitters: Pathogenic (1); Likely pathogenic (1). Last evaluated 2024-09-10.

Submissions (2):

Dasa
Classification: Likely pathogenic. Last evaluated: 2024-09-10. Review status: criteria provided, single submitter. Criteria: DASA Assertion Criteria. Collection method: clinical testing. Allele origin: germline.
Comment: NM_016011.5(MECR):c.890_891del (p.Val297Glufs*6) is a frameshift variant in MECR predicted to alter the reading frame and introduce a premature termination codon and is predicted to result in an absent or altered protein product. Loss of function is an established disease mechanism for MECR-associated disorders. Also, this variant is rare in population databases. Based on the currently available evidence, this variant is classified as likely pathogenic.

Labcorp Genetics (formerly Invitae), Labcorp
Classification: Pathogenic. Last evaluated: 2023-03-18. Review status: criteria provided, single submitter. Criteria: Invitae Variant Classification Sherloc (09022015). Collection method: clinical testing. Allele origin: germline.
Comment: This sequence change creates a premature translational stop signal (p.Val297Glufs*6) in the MECR gene. It is expected to result in an absent or disrupted protein product. Loss-of-function variants in MECR are known to be pathogenic (PMID: 27817865). This variant is not present in population databases (gnomAD no frequency). This variant has not been reported in the literature in individuals affected with MECR-related conditions. Algorithms developed to predict the effect of sequence changes on RNA splicing suggest that this variant may disrupt the consensus splice site. For these reasons, this variant has been classified as Pathogenic.

Literature cited by the submitters: PubMed 27817865 (cited by Labcorp Genetics (formerly Invitae), Labcorp).